The following is an entry in ClinVar:

NM_080669.6(SLC46A1):c.*2248T>C

Genes: SARM1 (sterile alpha and TIR motif containing 1; plus strand), SLC46A1 (solute carrier family 46 member 1; minus strand). Cytogenetic location: 17q11.2.
Variant type: single nucleotide variant.
Coding change: c.*2248T>C on transcript NM_080669.6 (MANE Select); 2248 bases downstream of the stop codon, T replaced by C.
Molecular consequence: 3 prime UTR variant.
Genome position (GRCh38, 1-based): chr17:28,397,408, A>G on the plus strand (T>C on the coding strand, the complement: SLC46A1 is on the minus strand). VCF-style: chr17-28397408-A-G. GRCh37 (hg19) VCF-style: chr17-26724427-A-G.
Other names: c.*2248T>C (NM_001242366.3); c.*1122A>G (NM_015077.4).
Identifiers: ClinVar variation 322375 (VCV000322375.5), dbSNP rs8082600, ClinGen allele CA10648860.

ClinVar aggregate classification (germline): Benign (1 of 4 stars; one submission).

Conditions:
Congenital defect of folate absorption. Also called: Hereditary Folate Malabsorption. Identifiers: Orphanet 90045, MedGen C0342705, MONDO:0009238, OMIM 229050.

Allele frequency attached by ClinVar (database versions not stated): gnomAD 0.00460 and 0.00495; TOPMed 0.00492; 1000 Genomes Project 30x 0.00593; 1000 Genomes Project 0.00599.

Submission:

Illumina Laboratory Services, Illumina
Classification: Benign for Congenital defect of folate absorption. Last evaluated: 2018-01-13. Review status: criteria provided, single submitter. Criteria: ICSL Variant Classification Criteria 13 December 2019. Collection method: clinical testing. Allele origin: germline.
Comment: This variant was observed in the ICSL laboratory as part of a predisposition screen in an ostensibly healthy population. It had not been previously curated by ICSL or reported in the Human Gene Mutation Database (HGMD: prior to June 1st, 2018), and was therefore a candidate for classification through an automated scoring system. Utilizing variant allele frequency, disease prevalence and penetrance estimates, and inheritance mode, an automated score was calculated to assess if this variant is too frequent to cause the disease. Based on the score and internal cut-off values, a variant classified as benign is not then subjected to further curation. The score for this variant resulted in a classification of benign for this disease.